The following is an entry in ClinVar:

NM_001211.6(BUB1B):c.846T>G (p.Ala282=)

Gene: BUB1B (BUB1 mitotic checkpoint serine/threonine kinase B; plus strand). Cytogenetic location: 15q15.1.
Variant type: single nucleotide variant.
Coding change: c.846T>G on transcript NM_001211.6 (MANE Select); coding-DNA position 846, T replaced by G.
Protein change: p.Ala282=; no amino-acid change (alanine 282 retained).
Molecular consequence: synonymous variant.
Genome position (GRCh38, 1-based): chr15:40,185,259, T>G. VCF-style: chr15-40185259-T-G. GRCh37 (hg19) VCF-style: chr15-40477460-T-G.
Identifiers: ClinVar variation 697852 (VCV000697852.16), dbSNP rs773703818, ClinGen allele CA7475580.

ClinVar aggregate classification (germline): Likely benign. Review status: criteria provided, multiple submitters, no conflicts (2 of 4 stars). 3 submissions from 3 submitters: Likely benign (3). Last evaluated 2026-03-01.

Conditions:
Inborn genetic diseases. Identifiers: MedGen C0950123, MeSH D030342.
Mosaic variegated aneuploidy syndrome 1 (MVA1). Also called: Warburton-Anyane-Yeboa syndrome. Identifiers: Orphanet 1052, MedGen C1850343, MONDO:0009759, OMIM 257300.

Allele frequency attached by ClinVar (database versions not stated): gnomAD 0.00001 and 0.00003; ExAC 0.00002; gnomAD exomes 0.00002; TOPMed 0.00002.
gnomAD v4.1: 40 of 1,613,906 alleles (0.0025%); highest among the groups gnomAD compares: Middle Eastern, 0.016%; no homozygotes.

Submissions (3):

CeGaT Center for Human Genetics Tuebingen
Classification: Likely benign. Last evaluated: 2026-03-01. Review status: criteria provided, single submitter. Criteria: CeGaT Center For Human Genetics Tuebingen Variant Classification Criteria Version 2. Collection method: clinical testing. Allele origin: germline. Affected: yes. Observed: 1 variant allele.
Comment: BUB1B: BP4, BP7

Labcorp Genetics (formerly Invitae), Labcorp
Classification: Likely benign for Mosaic variegated aneuploidy syndrome 1. Last evaluated: 2025-09-23. Review status: criteria provided, single submitter. Criteria: Invitae Variant Classification Sherloc (09022015). Collection method: clinical testing. Allele origin: germline.

Ambry Genetics
Classification: Likely benign for Inborn genetic diseases. Last evaluated: 2022-02-28. Review status: criteria provided, single submitter. Criteria: Ambry Variant Classification Scheme 2023. Collection method: clinical testing. Allele origin: germline.